The following is an entry in ClinVar:

ClinVar aggregate classification (germline): Pathogenic. Review status: criteria provided, multiple submitters, no conflicts (2 of 4 stars). 4 submissions from 4 submitters: Pathogenic (4). Last evaluated 2026-04-22.

Conditions:
Autosomal recessive nonsyndromic hearing loss 28. Identifiers: Orphanet 90636, MedGen C1853276, MONDO:0012355, OMIM 609823.
Paediatric disorders.

gnomAD v4.1: 6 of 1,612,942 alleles (0.00037%); highest among the groups gnomAD compares: South Asian, 0.0055%; no homozygotes.

Submissions (4):

NHS Central & South Genomic Laboratory Hub
Classification: Pathogenic for Paediatric disorders. Last evaluated: 2026-04-22. Review status: criteria provided, single submitter. Criteria: ACMG Guidelines, 2015. Collection method: clinical testing. Allele origin: germline. Affected: yes.

Rare Diseases Genetics and Genomics, Islamia College Peshawar
Classification: Pathogenic for Autosomal recessive nonsyndromic hearing loss 28. Last evaluated: 2025-09-05. Review status: criteria provided, single submitter. Criteria: ACMG Guidelines, 2015. Collection method: research. Allele origin: germline. Inheritance: Autosomal recessive inheritance. Affected: yes. Observed: 1 homozygote.
Comment: The variant was absent in members outside the family/ethnically match controls. Upon comparison of affected patients' phenotype with DEAFNESS, AUTOSOMAL RECESSIVE 28 (MIM 609823: DFNB28). This evidence was enough to declare this variant as "Pathogenic".

Labcorp Genetics (formerly Invitae), Labcorp
Classification: Pathogenic. Last evaluated: 2025-01-25. Review status: criteria provided, single submitter. Criteria: Invitae Variant Classification Sherloc (09022015). Collection method: clinical testing. Allele origin: germline.
Comment: This sequence change creates a premature translational stop signal (p.Arg774*) in the TRIOBP gene. It is expected to result in an absent or disrupted protein product. Loss-of-function variants in TRIOBP are known to be pathogenic (PMID: 16385457, 16385458, 20510926). This variant is present in population databases (rs529745904, gnomAD 0.003%). This premature translational stop signal has been observed in individual(s) with deafness (PMID: 27848944). For these reasons, this variant has been classified as Pathogenic.

Juno Genomics, Hangzhou Juno Genomics, Inc
Classification: Pathogenic for Autosomal recessive nonsyndromic hearing loss 28. Review status: criteria provided, single submitter. Criteria: ACMG Guidelines, 2015. Collection method: clinical testing. Allele origin: germline.
Comment: Absent from controls (or at extremely low frequency if recessive) in Genome Aggregation Database.;Null variant in a gene where loss of function (LOF) is a known mechanism of disease.;For recessive disorders, detected in trans with a pathogenic variant.

Literature cited by the submitters: PubMed 16385457 (cited by Labcorp Genetics (formerly Invitae), Labcorp); PubMed 16385458 (cited by Labcorp Genetics (formerly Invitae), Labcorp); PubMed 20510926 (cited by Labcorp Genetics (formerly Invitae), Labcorp); PubMed 27848944 (cited by Labcorp Genetics (formerly Invitae), Labcorp).

NM_001039141.3(TRIOBP):c.2320C>T (p.Arg774Ter)

Gene: TRIOBP (TRIO and F-actin binding protein; plus strand). Cytogenetic location: 22q13.1.
Variant type: single nucleotide variant.
Coding change: c.2320C>T on transcript NM_001039141.3 (MANE Select); coding-DNA position 2320, C replaced by T.
Protein change: p.Arg774Ter; replaces arginine 774 with a stop codon.
Molecular consequence: nonsense.
Genome position (GRCh38, 1-based): chr22:37,724,876, C>T. VCF-style: chr22-37724876-C-T. GRCh37 (hg19) VCF-style: chr22-38120883-C-T.
Other names: short protein forms R774*.
Identifiers: ClinVar variation 4087722 (VCV004087722.5).
Genomic context (GRCh38, chr22:37,724,876, plus strand): 5'-CCCAGAGCCTCCTCTCCTAACAGAACCATCCAACAAGAGAACCTCAGAACATCCTGTACC[C>T]GACAGGACAATCCCAGGACCTCCTCTCCCAATAGAGCCACACGAGACAACCCCAGAACAT-3'